The following is an entry in ClinVar:

ClinVar aggregate classification (germline): Pathogenic/Likely pathogenic. Review status: criteria provided, multiple submitters, no conflicts (2 of 4 stars). 8 submissions from 8 submitters: Pathogenic (3); Likely pathogenic (3). 2 of the submissions do not count toward it. Last evaluated 2025-12-15.

Conditions:
SLC26A2-related disorder. Also called: SLC26A2-related condition; SLC26A2-related disorders. Identifiers: MedGen CN239404.
Atelosteogenesis type II (AO2). Also called: NEONATAL OSSEOUS DYSPLASIA I; Neonatal osseous dysplasia 1; SLC26A2-Related Atelosteogenesis. Identifiers: Orphanet 56304, MedGen C1850554, MONDO:0009727, OMIM 256050.
Multiple epiphyseal dysplasia type 4 (EDM4). Also called: MULTIPLE EPIPHYSEAL DYSPLASIA WITH BILAYERED PATELLAE; MULTIPLE EPIPHYSEAL DYSPLASIA WITH CLUBFOOT; MULTIPLE EPIPHYSEAL DYSPLASIA, AUTOSOMAL RECESSIVE; Multiple Epiphyseal Dysplasia, Recessive; SLC26A2-Related Multiple Epiphyseal Dysplasia. Identifiers: Orphanet 93307, MedGen C1847593, MONDO:0009189, OMIM 226900.
Diastrophic dysplasia (DTD). Also called: Diastrophic dwarfism. Identifiers: Orphanet 628, MedGen C0220726, MONDO:0009107, OMIM 222600.
Achondrogenesis, type IB (ACG1B). Also called: Achondrogenesis Type 1B. Identifiers: Orphanet 932, Orphanet 93298, MedGen C0265274, MONDO:0010966, OMIM 600972.

Allele frequency attached by ClinVar (database versions not stated): gnomAD exomes below 0.00001.
gnomAD v4.1: 4 of 1,614,124 alleles (0.00025%); highest among the groups gnomAD compares: Admixed American, 0.0017%; no homozygotes.

Submissions (8):

Natera, Inc.
Classification: Likely pathogenic for Achondrogenesis type IB. Last evaluated: 2025-12-15. Review status: criteria provided, single submitter. Criteria: Natera Variant Classification Schema (03/2026). Collection method: clinical testing. Allele origin: germline.
Comment: The c.1273A>G variant in SLC26A2 is a missense variant predicted to cause substitution of asparagine to aspartic acid at amino acid 425. This variant is rare in the general population with a frequency below the threshold expected for the associated phenotype(s). This variant has been observed in one or more individuals affected with the associated recessive disease, as either homozygous or compound heterozygous with a second variant (PMID: 8528239, 9342225, 11727031, 21155763). Computational prediction algorithms indicate this variant is likely to affect gene or protein function. Given the available evidence, this variant is classified as Likely Pathogenic.

Baylor Genetics
Classification: Likely pathogenic for Achondrogenesis, type IB. Last evaluated: 2024-01-08. Review status: criteria provided, single submitter. Criteria: ACMG Guidelines, 2015. Collection method: clinical testing. Allele origin: unknown.

Blueprint Genetics
Classification: Pathogenic for SLC26A2-related disorders. Last evaluated: 2023-09-11. Review status: criteria provided, single submitter. Criteria: ACMG Guidelines, 2015. Collection method: clinical testing. Allele origin: germline. Affected: yes. Observed: 2 variant alleles.

Labcorp Genetics (formerly Invitae), Labcorp
Classification: Pathogenic for Atelosteogenesis type II; Multiple epiphyseal dysplasia type 4; Achondrogenesis, type IB; Diastrophic dysplasia. Last evaluated: 2023-06-08. Review status: criteria provided, single submitter. Criteria: Invitae Variant Classification Sherloc (09022015). Collection method: clinical testing. Allele origin: germline.
Comment: This sequence change replaces asparagine, which is neutral and polar, with aspartic acid, which is acidic and polar, at codon 425 of the SLC26A2 protein (p.Asn425Asp). This variant is not present in population databases (gnomAD no frequency). This missense change has been observed in individual(s) with diastrophic dysplasia (PMID: 8528239, 9342225, 21155763). ClinVar contains an entry for this variant (Variation ID: 4093). Advanced modeling of protein sequence and biophysical properties (such as structural, functional, and spatial information, amino acid conservation, physicochemical variation, residue mobility, and thermodynamic stability) has been performed at Invitae for this missense variant, however the output from this modeling did not meet the statistical confidence thresholds required to predict the impact of this variant on SLC26A2 protein function. Experimental studies have shown that this missense change affects SLC26A2 function (PMID: 11448940). For these reasons, this variant has been classified as Pathogenic.

Fulgent Genetics
Classification: Likely pathogenic for Diastrophic dysplasia; Multiple epiphyseal dysplasia type 4; Atelosteogenesis type II; Achondrogenesis, type IB. Last evaluated: 2021-08-23. Review status: criteria provided, single submitter. Criteria: ACMG Guidelines, 2015. Collection method: clinical testing. Allele origin: unknown.

Juno Genomics, Hangzhou Juno Genomics, Inc
Classification: Pathogenic for Achondrogenesis, type IB; Atelosteogenesis type II; Diastrophic dysplasia; Multiple epiphyseal dysplasia type 4. Review status: criteria provided, single submitter. Criteria: ACMG Guidelines, 2015. Collection method: clinical testing. Allele origin: germline. Affected: yes.
Comment: Absent from controls (or at extremely low frequency if recessive) in Genome Aggregation Database, Exome Sequencing Project, 1000 Genomes Project, or Exome Aggregation Consortium.;For recessive disorders, detected in trans with a pathogenic variant.;Well-established in vitro or in vivo functional studies supportive of a damaging effect on the gene or gene product.

OMIM
Classification: Pathogenic for ACHONDROGENESIS, TYPE IB. Last evaluated: 1996-01-01. Review status: no assertion criteria provided. Collection method: literature only. Allele origin: germline. Not counted in ClinVar's aggregate classification.

GeneReviews
No classification provided. Condition: Diastrophic dysplasia. Review status: no classification provided. Collection method: literature only. Allele origin: unknown. Not counted in ClinVar's aggregate classification.

Literature cited by the submitters: PubMed 8528239 (cited by 3 submitters); PubMed 9342225 (cited by Natera, Inc. and Labcorp Genetics (formerly Invitae), Labcorp); PubMed 11727031 (cited by Natera, Inc.); PubMed 21155763 (cited by Natera, Inc. and Labcorp Genetics (formerly Invitae), Labcorp); PubMed 11448940 (cited by Labcorp Genetics (formerly Invitae), Labcorp); PubMed 20301524 (cited by GeneReviews); NCBI Bookshelf NBK1350 (cited by GeneReviews).

NM_000112.4(SLC26A2):c.1273A>G (p.Asn425Asp)

Gene: SLC26A2 (solute carrier family 26 member 2; plus strand). Cytogenetic location: 5q32.
Variant type: single nucleotide variant.
Coding change: c.1273A>G on transcript NM_000112.4 (MANE Select); coding-DNA position 1273, A replaced by G.
Protein change: p.Asn425Asp; replaces asparagine 425 with aspartic acid.
Molecular consequence: missense variant.
Genome position (GRCh38, 1-based): chr5:149,980,866, A>G. VCF-style: chr5-149980866-A-G. GRCh37 (hg19) VCF-style: chr5-149360429-A-G.
Other names: short protein forms N425D.
Identifiers: ClinVar variation 4093 (VCV000004093.17), dbSNP rs104893920, ClinGen allele CA259842.
Genomic context (GRCh38, chr5:149,980,866, plus strand): 5'-GCCAAGAAACATGGTTACACAGTCAAAGCAAACCAGGAAATGTATGCCATTGGCTTTTGT[A>G]ATATCATCCCTTCCTTCTTCCACTGTTTTACTACTAGTGCAGCTCTTGCAAAGACATTGG-3'
Protein context (NP_000103.2, residues 415-435): NQEMYAIGFC[Asn425Asp]IIPSFFHCFT